The following is an entry in ClinVar:

ClinVar aggregate classification (germline): Pathogenic (1 of 4 stars; one submission).

Conditions:
Alstrom syndrome (ALMS). Identifiers: Orphanet 64, MedGen C0268425, MONDO:0008763, OMIM 203800.

Submission:

Labcorp Genetics (formerly Invitae), Labcorp
Classification: Pathogenic for Alstrom syndrome. Last evaluated: 2022-06-08. Review status: criteria provided, single submitter. Criteria: Invitae Variant Classification Sherloc (09022015). Collection method: clinical testing. Allele origin: germline.
Comment: This variant has not been reported in the literature in individuals affected with ALMS1-related conditions. For these reasons, this variant has been classified as Pathogenic. This variant is not present in population databases (gnomAD no frequency). This sequence change creates a premature translational stop signal (p.Ile121Tyrfs*57) in the ALMS1 gene. It is expected to result in an absent or disrupted protein product. Loss-of-function variants in ALMS1 are known to be pathogenic (PMID: 17594715).

Literature cited by the submitters: PubMed 17594715.

NM_001378454.1(ALMS1):c.358_361del (p.Ile120fs)

Gene: ALMS1 (ALMS1 centrosome and basal body associated protein; plus strand). Cytogenetic location: 2p13.1.
Variant type: Deletion.
Coding change: c.358_361del on transcript NM_001378454.1 (MANE Select); coding-DNA positions 358 to 361, 4 bases deleted (ATAG; older notation c.358_361delATAG).
Protein change: p.Ile120fs; shifts the reading frame from isoleucine 120.
Molecular consequence: frameshift variant.
Genome position (GRCh38, 1-based): chr2:73,408,655-73,408,658, ATAG deleted; deleting any 4 consecutive bases within chr2:73,408,653-73,408,658 gives the same sequence; the c. name uses the placement nearest the transcript's 3' end. VCF-style (leftmost placement, unchanged base first): chr2-73408652-CAGAT-C. GRCh37 (hg19) VCF-style: chr2-73635780-CAGAT-C.
Other names: c.361_364del, p.Ile121fs (NM_015120.4); short protein forms I121fs, I120fs.
Identifiers: ClinVar variation 2003173 (VCV002003173.4), dbSNP rs2466016534, ClinGen allele CA2580068084.